The following is an entry in ClinVar:

ClinVar aggregate classification (germline): Uncertain significance (1 of 4 stars; one submission).

Conditions:
Usher syndrome type 3B. Also called: USHER SYNDROME, TYPE IIIB. Identifiers: MedGen C3281066, MONDO:0013788, OMIM 614504.

Submission:

Labcorp Genetics (formerly Invitae), Labcorp
Classification: Uncertain significance for Usher syndrome type 3B. Last evaluated: 2024-03-16. Review status: criteria provided, single submitter. Criteria: Invitae Variant Classification Sherloc (09022015). Collection method: clinical testing. Allele origin: germline.
Comment: This sequence change results in a frameshift in the HARS gene (p.Leu506Profs*7). While this is not anticipated to result in nonsense mediated decay, it is expected to disrupt the last 4 amino acid(s) of the HARS protein and extend the protein by 2 additional amino acid residues. This variant is present in population databases (no rsID available, gnomAD 0.007%). This variant has not been reported in the literature in individuals affected with HARS-related conditions. Experimental studies and prediction algorithms are not available or were not evaluated, and the functional significance of this variant is currently unknown. In summary, the available evidence is currently insufficient to determine the role of this variant in disease. Therefore, it has been classified as a Variant of Uncertain Significance.

NM_002109.6(HARS1):c.1516dup (p.Leu506fs)

Gene: HARS1 (histidyl-tRNA synthetase 1; minus strand). Cytogenetic location: 5q31.3.
Variant type: Duplication.
Coding change: c.1516dup on transcript NM_002109.6 (MANE Select); coding-DNA position 1516, one base duplicated (C; older notation c.1516dupC).
Protein change: p.Leu506fs; shifts the reading frame from leucine 506.
Molecular consequence: frameshift variant.
Genome position (GRCh38, 1-based): chr5:140,674,271, G duplicated on the plus strand (C on the coding strand, the reverse complement: HARS1 is on the minus strand); the first of 4 consecutive G bases (chr5:140,674,271-140,674,274); duplicating any one gives the same sequence. VCF-style (leftmost placement, unchanged base first): chr5-140674270-A-AG. GRCh37 (hg19) VCF-style: chr5-140053855-A-AG.
Other names: c.1396dup, p.Leu466fs (NM_001258040.3); c.1456dup, p.Leu486fs (NM_001258041.3); c.1336dup, p.Leu446fs (NM_001258042.3); c.1294dup, p.Leu432fs (NM_001289092.2); c.1174dup, p.Leu392fs (NM_001289093.2); c.1429dup, p.Leu477fs (NM_001289094.2); short protein forms L432fs, L486fs, L392fs, L446fs, L506fs, L466fs, L477fs.
Identifiers: ClinVar variation 3706998 (VCV003706998.2).
Genomic context (GRCh38, chr5:140,674,270, plus strand): 5'-TCAAATAGTGCCAGTCCCACTTCCTTTCCTCTGATAGTTTGTTCAGTTCAGCAGATGCAG[A>AG]GGGGCTGGCCTGTTCTCCTTTTGATTTCCTCCACAAGGTCTTCTCTTCGGACATCCACCT-3'